The following is an entry in ClinVar:

ClinVar aggregate classification (germline): Uncertain significance (1 of 4 stars; one submission).

Allele frequency attached by ClinVar (database versions not stated): gnomAD exomes 0.00001 and 0.00003; ExAC 0.00002; TOPMed 0.00002; ESP Exome Variant Server 0.00008.

Submission:

Labcorp Genetics (formerly Invitae), Labcorp
Classification: Uncertain significance. Last evaluated: 2024-02-23. Review status: criteria provided, single submitter. Criteria: Invitae Variant Classification Sherloc (09022015). Collection method: clinical testing. Allele origin: germline.
Comment: This sequence change replaces arginine, which is basic and polar, with cysteine, which is neutral and slightly polar, at codon 336 of the PRPF4 protein (p.Arg336Cys). This variant is present in population databases (rs372555065, gnomAD 0.01%). This variant has not been reported in the literature in individuals affected with PRPF4-related conditions. ClinVar contains an entry for this variant (Variation ID: 1470155). An algorithm developed to predict the effect of missense changes on protein structure and function (PolyPhen-2) suggests that this variant is likely to be disruptive. In summary, the available evidence is currently insufficient to determine the role of this variant in disease. Therefore, it has been classified as a Variant of Uncertain Significance.

NM_001244926.2(PRPF4):c.1003C>T (p.Arg335Cys)

Gene: PRPF4 (pre-mRNA splicing tri-snRNP complex factor PRPF4; plus strand). Cytogenetic location: 9q32.
Variant type: single nucleotide variant.
Coding change: c.1003C>T on transcript NM_001244926.2 (MANE Select); coding-DNA position 1003, C replaced by T.
Protein change: p.Arg335Cys; replaces arginine 335 with cysteine.
Molecular consequence: missense variant. On other transcripts: non-coding transcript variant (2).
Genome position (GRCh38, 1-based): chr9:113,288,245, C>T. VCF-style: chr9-113288245-C-T. GRCh37 (hg19) VCF-style: chr9-116050525-C-T.
Other names: c.277C>T, p.Arg93Cys (NM_001322266.2, NM_001322267.2); c.1006C>T, p.Arg336Cys (NM_004697.5); short protein forms R93C, R336C, R335C.
Identifiers: ClinVar variation 1470155 (VCV001470155.6), dbSNP rs372555065, ClinGen allele CA5195063.
Genomic context (GRCh38, chr9:113,288,245, plus strand): 5'-GTGGCAGATATTGAAGGCCATACAGTGCGTGTGGCGCGGGTAATGTGGCATCCTTCAGGA[C>T]GTTTCCTGGGCACCACCTGGTGAGCCATCCTGTTATTGTTTTATCCATATAGGCCTGTAG-3'
Protein context (NP_001231855.1, residues 325-345): VARVMWHPSG[Arg335Cys]FLGTTCYDRS